The following is an entry in ClinVar:

NM_000094.4(COL7A1):c.5453G>A (p.Gly1818Asp)

Gene: COL7A1 (collagen type VII alpha 1 chain; minus strand). Cytogenetic location: 3p21.31.
Variant type: single nucleotide variant.
Coding change: c.5453G>A on transcript NM_000094.4 (MANE Select); coding-DNA position 5453, G replaced by A.
Protein change: p.Gly1818Asp; replaces glycine 1818 with aspartic acid.
Molecular consequence: missense variant.
Genome position (GRCh38, 1-based): chr3:48,578,487, C>T on the plus strand (G>A on the coding strand, the complement: COL7A1 is on the minus strand). VCF-style: chr3-48578487-C-T. GRCh37 (hg19) VCF-style: chr3-48615920-C-T.
Other names: short protein forms G1818D.
Identifiers: ClinVar variation 3895824 (VCV003895824.1).

ClinVar aggregate classification (germline): Uncertain significance (1 of 4 stars; one submission).

Submission:

Women's Health and Genetics/Laboratory Corporation of America, LabCorp
Classification: Uncertain significance. Last evaluated: 2025-03-05. Review status: criteria provided, single submitter. Criteria: LabCorp Variant Classification Summary - May 2015. Collection method: clinical testing. Allele origin: germline.
Comment: Variant summary: COL7A1 c.5453G>A (p.Gly1818Asp) results in a non-conservative amino acid change in the encoded protein sequence. Four of five in-silico tools predict a damaging effect of the variant on protein function. The variant was absent in 250358 control chromosomes. The available data on variant occurrences in the general population are insufficient to allow any conclusion about variant significance. c.5453G>A has been reported in the literature as among the variants found in Han Chinese patients with Dystrophic Epidermolysis Bullosa, Recessive, but without further information (Yu_2021). This report does not provide unequivocal conclusions about association of the variant with Dystrophic Epidermolysis Bullosa, Recessive. To our knowledge, no experimental evidence demonstrating an impact on protein function has been reported. The following publication has been ascertained in the context of this evaluation (PMID: 34046686). No submitters have cited clinical-significance assessments for this variant to ClinVar. Based on the evidence outlined above, the variant was classified as uncertain significance.

Literature cited by the submitters: PubMed 34046686.